The following is an entry in ClinVar:

ClinVar aggregate classification (germline): Uncertain significance (1 of 4 stars; one submission).

Conditions:
Familial hemophagocytic lymphohistiocytosis 5. Also called: STXBP2-Related Familial Hemophagocytic Lymphohistiocytosis (STXBP2-fHLH). Identifiers: Orphanet 540, MedGen C2751293, MONDO:0013135, OMIM 613101.

Allele frequency attached by ClinVar (database versions not stated): gnomAD exomes 0.00001.

Submission:

Labcorp Genetics (formerly Invitae), Labcorp
Classification: Uncertain significance for Familial hemophagocytic lymphohistiocytosis 5. Last evaluated: 2022-10-24. Review status: criteria provided, single submitter. Criteria: Invitae Variant Classification Sherloc (09022015). Collection method: clinical testing. Allele origin: germline.
Comment: This sequence change replaces arginine, which is basic and polar, with cysteine, which is neutral and slightly polar, at codon 39 of the STXBP2 protein (p.Arg39Cys). This variant is not present in population databases (gnomAD no frequency). This variant has not been reported in the literature in individuals affected with STXBP2-related conditions. ClinVar contains an entry for this variant (Variation ID: 1465639). Advanced modeling of protein sequence and biophysical properties (such as structural, functional, and spatial information, amino acid conservation, physicochemical variation, residue mobility, and thermodynamic stability) performed at Invitae indicates that this missense variant is expected to disrupt STXBP2 protein function. In summary, the available evidence is currently insufficient to determine the role of this variant in disease. Therefore, it has been classified as a Variant of Uncertain Significance.

NM_006949.4(STXBP2):c.115C>T (p.Arg39Cys)

Gene: STXBP2 (syntaxin binding protein 2; plus strand). Cytogenetic location: 19p13.2.
Variant type: single nucleotide variant.
Coding change: c.115C>T on transcript NM_006949.4 (MANE Select); coding-DNA position 115, C replaced by T.
Protein change: p.Arg39Cys; replaces arginine 39 with cysteine.
Molecular consequence: missense variant. On other transcripts: non-coding transcript variant (1).
Genome position (GRCh38, 1-based): chr19:7,639,046, C>T. VCF-style: chr19-7639046-C-T. GRCh37 (hg19) VCF-style: chr19-7703932-C-T.
Other names: c.115C>T, p.Arg39Cys (NM_001127396.3, NM_001272034.2); short protein forms R39C.
Identifiers: ClinVar variation 1465639 (VCV001465639.5), dbSNP rs199579207, ClinGen allele CA304903337.